The following is an entry in ClinVar:

ClinVar aggregate classification (germline): Uncertain significance (1 of 4 stars; one submission).

Conditions:
Cardiovascular phenotype. Identifiers: MedGen CN230736.

gnomAD v4.1: 1 of 1,613,758 alleles (0.000062%); highest among the groups gnomAD compares: African/African-American, 0.0013%; no homozygotes.

Submission:

Ambry Genetics
Classification: Uncertain significance for Cardiovascular phenotype. Last evaluated: 2025-09-25. Review status: criteria provided, single submitter. Criteria: Ambry Variant Classification Scheme 2023. Collection method: clinical testing. Allele origin: germline.
Comment: The p.R1654W variant (also known as c.4960A>T), located in coding exon 19 of the AKAP9 gene, results from an A to T substitution at nucleotide position 4960. The arginine at codon 1654 is replaced by tryptophan, an amino acid with dissimilar properties. This amino acid position is conserved. In addition, this alteration is predicted to be tolerated by in silico analysis. Based on the available evidence, the clinical significance of this variant remains unclear.

NM_005751.5(AKAP9):c.4960A>T (p.Arg1654Trp)

Genes: AKAP9 (A-kinase anchoring protein 9; plus strand), LOC121175350 (Sharpr-MPRA regulatory region 2641; plus strand). Cytogenetic location: 7q21.2.
Variant type: single nucleotide variant.
Coding change: c.4960A>T on transcript NM_005751.5 (MANE Select); coding-DNA position 4960, A replaced by T.
Protein change: p.Arg1654Trp; replaces arginine 1654 with tryptophan.
Molecular consequence: missense variant.
Genome position (GRCh38, 1-based): chr7:92,042,088, A>T. VCF-style: chr7-92042088-A-T. GRCh37 (hg19) VCF-style: chr7-91671402-A-T.
Other names: c.4960A>T, p.Arg1654Trp (NM_147185.3); short protein forms R1654W.
Identifiers: ClinVar variation 4613384 (VCV004613384.1).